The following is an entry in ClinVar:

NM_001370100.5(ZMYND11):c.539G>T (p.Gly180Val)

Gene: ZMYND11 (zinc finger MYND-type containing 11; plus strand). Cytogenetic location: 10p15.3.
Variant type: single nucleotide variant.
Coding change: c.539G>T on transcript NM_001370100.5 (MANE Select); coding-DNA position 539, G replaced by T.
Protein change: p.Gly180Val; replaces glycine 180 with valine.
Molecular consequence: missense variant. On other transcripts: non-coding transcript variant (1), intron variant (4).
Genome position (GRCh38, 1-based): chr10:237,607, G>T. VCF-style: chr10-237607-G-T. GRCh37 (hg19) VCF-style: chr10-283547-G-T.
Other names: c.539G>T, p.Gly180Val (NM_001161482.1, NM_001202468.1, NM_001370097.3 and 9 more transcripts); c.377G>T, p.Gly126Val (NM_001202464.3, NM_001202466.3, NM_001202467.1 and 9 more transcripts); c.488G>T, p.Gly163Val (NM_001330057.3, NM_001370112.2); c.473G>T, p.Gly158Val (NM_001370116.2); c.419G>T, p.Gly140Val (NM_001370118.2); c.311G>T, p.Gly104Val (NM_001370120.2); c.257G>T, p.Gly86Val (NM_001370121.2); c.326G>T, p.Gly109Val (NM_001370123.2); and 3 more; short protein forms G109V, G126V, G140V, G158V, G86V, G104V, G163V, G180V.
Identifiers: ClinVar variation 2229438 (VCV002229438.2), dbSNP rs1332225863, ClinGen allele CA375844938.
Genomic context (GRCh38, chr10:237,607, plus strand): 5'-TTAACCACATTTAAATTGATGTACTAACACCCTCTTAGGCTATAGATCTTAATAAAAAGG[G>T]GAAGGACAATAAACACCCGATGTACAGGAGGCTGGTGCACTCAGCTGTGGACGTTCCCAC-3'
Protein context (NP_001357029.1, residues 170-190): KERAIDLNKK[Gly180Val]KDNKHPMYRR

ClinVar aggregate classification (germline): Uncertain significance (1 of 4 stars; one submission).

Conditions:
Inborn genetic diseases. Identifiers: MedGen C0950123, MeSH D030342.

Allele frequency attached by ClinVar (database versions not stated): gnomAD 0.00001; TOPMed 0.00002.
gnomAD v4.1: 2 of 1,612,992 alleles (0.00012%); highest among the groups gnomAD compares: African/African-American, 0.0027%; no homozygotes.

Submission:

Ambry Genetics
Classification: Uncertain significance for Inborn genetic diseases. Last evaluated: 2021-03-08. Review status: criteria provided, single submitter. Criteria: Ambry Variant Classification Scheme 2023. Collection method: clinical testing. Allele origin: germline.
Comment: The c.539G>T (p.G180V) alteration is located in exon 1 (coding exon 1) of the ZMYND11 gene. This alteration results from a G to T substitution at nucleotide position 539, causing the glycine (G) at amino acid position 180 to be replaced by a valine (V). The p.G180V alteration is predicted to be tolerated by in silico analysis. Based on insufficient or conflicting evidence, the clinical significance of this alteration remains unclear.